The following is an entry in ClinVar:

NM_001165963.4(SCN1A):c.4141del (p.Thr1381fs)

Genes: SCN1A (sodium voltage-gated channel alpha subunit 1; minus strand), LOC102724058 (uncharacterized LOC102724058; plus strand). Cytogenetic location: 2q24.3.
Variant type: Deletion.
Coding change: c.4141del on transcript NM_001165963.4 (MANE Select); coding-DNA position 4141, one base deleted (A; older notation c.4141delA).
Protein change: p.Thr1381fs; shifts the reading frame from threonine 1381.
Molecular consequence: frameshift variant. On other transcripts: non-coding transcript variant (1).
Genome position (GRCh38, 1-based): chr2:166,002,615, T deleted on the plus strand (A on the coding strand, the reverse complement: SCN1A is on the minus strand); the first of 2 consecutive T bases (chr2:166,002,615-166,002,616); deleting either gives the same sequence. VCF-style (leftmost placement, unchanged base first): chr2-166002614-GT-G. GRCh37 (hg19) VCF-style: chr2-166859124-GT-G.
Other names: c.4057del, p.Thr1353fs (NM_001165964.3, NM_001353957.2, NM_001353958.2); c.4141del, p.Thr1381fs (NM_001202435.3, NM_001353948.2); c.4108del, p.Thr1370fs (NM_001353949.2, NM_001353950.2, NM_001353951.2 and 2 more transcripts); c.4105del, p.Thr1369fs (NM_001353954.2, NM_001353955.2); c.4054del, p.Thr1352fs (NM_001353960.2); c.1699del, p.Thr567fs (NM_001353961.2); short protein forms T1353fs, T1370fs, T1381fs, T1352fs, T1369fs, T567fs.
Identifiers: ClinVar variation 432448 (VCV000432448.2), dbSNP rs1553525146, ClinGen allele CA645372655.
Genomic context (GRCh38, chr2:166,002,614, plus strand): 5'-TCTATTAGTTTTAGGCAATCAGTATGATTATTCACGTCTTCGATGTCAAACCTGTCACCA[GT>G]TGTGGTGTTAATACAGTGGTAGAATTTGCCAGCAAACAAATTTACGCCCATGATGCTGAA-3'

ClinVar aggregate classification (germline): Pathogenic (1 of 4 stars; one submission).

Submission:

GeneDx
Classification: Pathogenic. Last evaluated: 2017-06-07. Review status: criteria provided, single submitter. Criteria: GeneDx Variant Classification (06012015). Collection method: clinical testing. Allele origin: germline. Affected: yes.
Comment: The c.4141delA pathogenic variant in the SCN1A gene causes a frameshift starting with codon Threonine 1381, changes this amino acid to a Leucine residue and creates a premature Stop codon at position 10 of the new reading frame, denoted p.Thr1381LeufsX10. This pathogenic variant is predicted to cause loss of normal protein function either through protein truncation or nonsense-mediated mRNA decay. The c.4141delA variant is not observed in large population cohorts (Lek et al., 2016; 1000 Genomes Consortium et al., 2015; Exome Variant Server).